The following is an entry in ClinVar:

ClinVar aggregate classification (germline): Uncertain significance (1 of 4 stars; one submission).

Submission:

Labcorp Genetics (formerly Invitae), Labcorp
Classification: Uncertain significance. Last evaluated: 2020-01-27. Review status: criteria provided, single submitter. Criteria: Invitae Variant Classification Sherloc (09022015). Collection method: clinical testing. Allele origin: germline.
Comment: In summary, the available evidence is currently insufficient to determine the role of this variant in disease. Therefore, it has been classified as a Variant of Uncertain Significance. Algorithms developed to predict the effect of missense changes on protein structure and function output the following: SIFT: "Tolerated"; PolyPhen-2: "Benign"; Align-GVGD: "Class C0". The tyrosine amino acid residue is found in multiple mammalian species, suggesting that this missense change does not adversely affect protein function. These predictions have not been confirmed by published functional studies and their clinical significance is uncertain. This variant has not been reported in the literature in individuals with SZT2-related conditions. This variant is not present in population databases (ExAC no frequency). This sequence change replaces histidine with tyrosine at codon 2490 of the SZT2 protein (p.His2490Tyr). The histidine residue is highly conserved and there is a moderate physicochemical difference between histidine and tyrosine.

NM_001365999.1(SZT2):c.7639C>T (p.His2547Tyr)

Gene: SZT2 (SZT2 subunit of KICSTOR complex; plus strand). Cytogenetic location: 1p34.2.
Variant type: single nucleotide variant.
Coding change: c.7639C>T on transcript NM_001365999.1 (MANE Select); coding-DNA position 7639, C replaced by T.
Protein change: p.His2547Tyr; replaces histidine 2547 with tyrosine.
Molecular consequence: missense variant.
Genome position (GRCh38, 1-based): chr1:43,441,715, C>T. VCF-style: chr1-43441715-C-T. GRCh37 (hg19) VCF-style: chr1-43907386-C-T.
Other names: c.7468C>T, p.His2490Tyr (NM_015284.4); short protein forms H2490Y, H2547Y.
Identifiers: ClinVar variation 1004223 (VCV001004223.9), dbSNP rs1655077544, ClinGen allele CA340035615.